The following is an entry in ClinVar:

NM_001001557.4(GDF6):c.169G>C (p.Asp57His)

Gene: GDF6 (growth differentiation factor 6; minus strand). Cytogenetic location: 8q22.1.
Variant type: single nucleotide variant.
Coding change: c.169G>C on transcript NM_001001557.4 (MANE Select); coding-DNA position 169, G replaced by C.
Protein change: p.Asp57His; replaces aspartic acid 57 with histidine.
Molecular consequence: missense variant.
Genome position (GRCh38, 1-based): chr8:96,160,524, C>G on the plus strand (G>C on the coding strand, the complement: GDF6 is on the minus strand). VCF-style: chr8-96160524-C-G. GRCh37 (hg19) VCF-style: chr8-97172752-C-G.
Other names: c.169G>C (NM_001001557.3); short protein forms D57H.
Identifiers: ClinVar variation 60534 (VCV000060534.12), dbSNP rs397514725, ClinGen allele CA210821.

ClinVar aggregate classification (germline): Conflicting classifications of pathogenicity. Review status: criteria provided, conflicting classifications (1 of 4 stars). 7 submissions from 6 submitters: Likely pathogenic (1); Uncertain significance (3); Benign (1). 2 of the submissions do not count toward it. Last evaluated 2025-04-16.

Conditions:
GDF6-related disorder. Also called: GDF6-related condition.
Microphthalmia, isolated, with coloboma 6 (MCOPCB6). Also called: Microphthalmia with coloboma 6, digenic; Microphthalmia with coloboma 6; MICROPHTHALMIA/COLOBOMA 6. Identifiers: Orphanet 98938, MedGen C3150968, MONDO:0013376, OMIM 613703.
Isolated microphthalmia 4. Identifiers: Orphanet 2542, MedGen C2751307, MONDO:0013130, OMIM 613094.
Leber congenital amaurosis 17 (LCA17). Identifiers: Orphanet 65, MedGen C3715164, MONDO:0014145, OMIM 615360.
Klippel-Feil syndrome 1, autosomal dominant (KFS1). Also called: CERVICAL VERTEBRAL FUSION, AUTOSOMAL DOMINANT. Identifiers: Orphanet 2345, MedGen C1861689, MONDO:0007306, OMIM 118100.

Allele frequency attached by ClinVar (database versions not stated): TOPMed 0.00004; gnomAD 0.00006.
gnomAD v4.1: 136 of 1,613,222 alleles (0.0084%); highest among the groups gnomAD compares: Non-Finnish European, 0.011%; no homozygotes.

Submissions (7):

Labcorp Genetics (formerly Invitae), Labcorp
Classification: Benign for Isolated microphthalmia 4; Leber congenital amaurosis 17; Klippel-Feil syndrome 1, autosomal dominant; Microphthalmia, isolated, with coloboma 6. Last evaluated: 2025-04-16. Review status: criteria provided, single submitter. Criteria: Invitae Variant Classification Sherloc (09022015). Collection method: clinical testing. Allele origin: germline.

Blueprint Genetics
Classification: Uncertain significance. Last evaluated: 2024-11-14. Review status: criteria provided, single submitter. Criteria: ACMG Guidelines, 2015. Collection method: clinical testing. Allele origin: germline.

GeneDx
Classification: Uncertain significance. Last evaluated: 2019-06-24. Review status: criteria provided, single submitter. Criteria: GeneDx Variant Classification Process June 2021. Collection method: clinical testing. Allele origin: germline. Affected: yes.
Comment: In silico analysis, which includes protein predictors and evolutionary conservation, supports that this variant does not alter protein structure/function; Published functional studies demonstrate a damaging effect. D57H shown to significantly reduce transcription activation in exogenous reporter assay in COS7 cells (Asai-Coakwell et al., 2013).; This variant is associated with the following publications: (PMID: 23307924, 31589614)

Baylor Genetics
Classification: Likely pathogenic for Klippel-Feil syndrome 1, autosomal dominant. Last evaluated: 2018-11-11. Review status: criteria provided, single submitter. Criteria: ACMG Guidelines, 2015. Collection method: clinical testing. Allele origin: paternal. Affected: yes.
Comment: This variant was determined to be likely pathogenic according to ACMG Guidelines, 2015 [PMID:25741868]. This variant has been previously reported as disease-causing [PMID:23307924]

Baylor Genetics
Classification: Uncertain significance for Leber congenital amaurosis 17. Review status: criteria provided, single submitter. Criteria: ACMG Guidelines, 2015. Collection method: clinical testing. Allele origin: unknown.

PreventionGenetics, part of Exact Sciences
Classification: Uncertain significance for GDF6-related condition. Last evaluated: 2024-04-03. Review status: no assertion criteria provided. Collection method: clinical testing. Allele origin: germline. Not counted in ClinVar's aggregate classification.
Comment: The GDF6 c.169G>C variant is predicted to result in the amino acid substitution p.Asp57His. This variant was reported along with a second potentially causative variant in an individual with Leber congenital amaurosis (Asai-Coakwell et al. 2013. PubMed ID: 23307924). This variant is reported in 0.016% of alleles in individuals of European (Non-Finnish) descent in gnomAD. At this time, the clinical significance of this variant is uncertain due to the absence of conclusive functional and genetic evidence.

OMIM
Classification: Pathogenic for LEBER CONGENITAL AMAUROSIS 17. Last evaluated: 2013-04-01. Review status: no assertion criteria provided. Collection method: literature only. Allele origin: germline. Not counted in ClinVar's aggregate classification.

Literature cited by the submitters: PubMed 23307924 (cited by Baylor Genetics and OMIM).